The following is an entry in ClinVar:

ClinVar aggregate classification (germline): Benign (1 of 4 stars; one submission).

Conditions:
Diamond-Blackfan anemia 9 (DBA9). Also called: RPS10-Related Diamond-Blackfan Anemia. Identifiers: Orphanet 124, MedGen C2750081, MONDO:0013216, OMIM 613308.

Allele frequency attached by ClinVar (database versions not stated): gnomAD 0.00031 and 0.00032; 1000 Genomes Project 0.00040; TOPMed 0.00067; 1000 Genomes Project 30x 0.00078.

Submission:

Illumina Laboratory Services, Illumina
Classification: Benign for Diamond-Blackfan anemia 9. Last evaluated: 2018-01-12. Review status: criteria provided, single submitter. Criteria: ICSL Variant Classification Criteria 13 December 2019. Collection method: clinical testing. Allele origin: germline.
Comment: This variant was observed in the ICSL laboratory as part of a predisposition screen in an ostensibly healthy population. It had not been previously curated by ICSL or reported in the Human Gene Mutation Database (HGMD: prior to June 1st, 2018), and was therefore a candidate for classification through an automated scoring system. Utilizing variant allele frequency, disease prevalence and penetrance estimates, and inheritance mode, an automated score was calculated to assess if this variant is too frequent to cause the disease. Based on the score and internal cut-off values, a variant classified as benign is not then subjected to further curation. The score for this variant resulted in a classification of benign for this disease.

NM_001014.5(RPS10):c.-14C>T

Genes: RPS10 (ribosomal protein S10; minus strand), RPS10-NUDT3 (RPS10-NUDT3 readthrough; minus strand). Cytogenetic location: 6p21.31.
Variant type: single nucleotide variant.
Coding change: c.-14C>T on transcript NM_001014.5 (MANE Select); 14 bases upstream of the start codon, C replaced by T.
Molecular consequence: 5 prime UTR variant.
Genome position (GRCh38, 1-based): chr6:34,426,045, G>A on the plus strand (C>T on the coding strand, the complement: RPS10 is on the minus strand). VCF-style: chr6-34426045-G-A. GRCh37 (hg19) VCF-style: chr6-34393822-G-A.
Other names: c.-14C>T (NM_001202470.3); c.-250C>T (NM_001203245.3); c.-18C>T (NM_001204091.2).
Identifiers: ClinVar variation 356426 (VCV000356426.5), dbSNP rs576997899, ClinGen allele CA10621942.
Genomic context (GRCh38, chr6:34,426,045, plus strand): 5'-ATAGCCCGGATGGGAGCCGATGGAACTCGAACGCCACAGAAACTCACCTCTGCGGCTGCA[G>A]GGTCCGGTACCGGGGCTGGAAAGGAAGGAGCATGCGCGGTGCTGCGTCTCTTCCGGGCTG-3'